The following is an entry in ClinVar:

NM_001148.6(ANK2):c.7469C>T (p.Pro2490Leu)

Genes: ANK2 (ankyrin 2; plus strand), LOC126807137 (CDK7 strongly-dependent group 2 enhancer GRCh37_chr4:114276560-114277759; plus strand). Cytogenetic location: 4q26.
Variant type: single nucleotide variant.
Coding change: c.7469C>T on transcript NM_001148.6 (MANE Select); coding-DNA position 7469, C replaced by T.
Protein change: p.Pro2490Leu; replaces proline 2490 with leucine.
Molecular consequence: missense variant. On other transcripts: intron variant (68).
Genome position (GRCh38, 1-based): chr4:113,356,087, C>T. VCF-style: chr4-113356087-C-T. GRCh37 (hg19) VCF-style: chr4-114277243-C-T.
Other names: c.4043-4736C>T (NM_001354277.2, NM_001386157.1); c.4361-4736C>T (NM_001386161.1, NM_001354244.2, NM_001354256.2); c.4286-4736C>T (NM_001354261.2); c.4166-4736C>T (NM_001386156.1, NM_001354257.2); c.4262-4736C>T (NM_001354264.2); c.4241-4736C>T (NM_001354267.2, NM_001386162.1, NM_001354249.2 and 2 more transcripts); c.4142-4736C>T (NM_001354271.2, NM_001386151.1, NM_001354260.2); c.3944-4736C>T (NM_001386158.1); and 35 more; short protein forms P1290L, P2412L, P2490L, P2529L, P2537L.
Identifiers: ClinVar variation 2574916 (VCV002574916.2), dbSNP rs1165291294, ClinGen allele CA357930457.

ClinVar aggregate classification (germline): Uncertain significance (1 of 4 stars; one submission).

Submission:

GeneDx
Classification: Uncertain significance. Last evaluated: 2024-09-19. Review status: criteria provided, single submitter. Criteria: GeneDx Variant Classification Process June 2021. Collection method: clinical testing. Allele origin: germline. Affected: yes.
Comment: Not observed at significant frequency in large population cohorts (gnomAD); In silico analysis supports that this missense variant has a deleterious effect on protein structure/function; Has not been previously published as pathogenic or benign to our knowledge